The following is an entry in ClinVar:

ClinVar aggregate classification (germline): Likely benign. Review status: criteria provided, multiple submitters, no conflicts (2 of 4 stars). 3 submissions from 3 submitters: Likely benign (3). Last evaluated 2025-08-30.

Allele frequency attached by ClinVar (database versions not stated): gnomAD exomes 0.00002; gnomAD 0.00004 and 0.00005; TOPMed 0.00004.
gnomAD v4.1: 41 of 1,611,216 alleles (0.0025%); highest among the groups gnomAD compares: Middle Eastern, 0.033%; no homozygotes.

Submissions (3):

Labcorp Genetics (formerly Invitae), Labcorp
Classification: Likely benign. Last evaluated: 2025-08-30. Review status: criteria provided, single submitter. Criteria: Invitae Variant Classification Sherloc (09022015). Collection method: clinical testing. Allele origin: germline.

Blueprint Genetics
Classification: Likely benign. Last evaluated: 2024-11-11. Review status: criteria provided, single submitter. Criteria: ACMG Guidelines, 2015. Collection method: clinical testing. Allele origin: germline.

CeGaT Center for Human Genetics Tuebingen
Classification: Likely benign. Last evaluated: 2022-06-01. Review status: criteria provided, single submitter. Criteria: CeGaT Center For Human Genetics Tuebingen Variant Classification Criteria Version 2. Collection method: clinical testing. Allele origin: germline. Affected: yes. Observed: 1 variant allele.
Comment: SEPTIN9: BP4, BP7

NM_001113491.2(SEPTIN9):c.303C>T (p.Ala101=)

Gene: SEPTIN9 (septin 9; plus strand). Cytogenetic location: 17q25.3.
Variant type: single nucleotide variant.
Coding change: c.303C>T on transcript NM_001113491.2 (MANE Select); coding-DNA position 303, C replaced by T.
Protein change: p.Ala101=; no amino-acid change (alanine 101 retained).
Molecular consequence: synonymous variant. On other transcripts: 5 prime UTR variant (2).
Genome position (GRCh38, 1-based): chr17:77,402,285, C>T. VCF-style: chr17-77402285-C-T. GRCh37 (hg19) VCF-style: chr17-75398367-C-T.
Other names: c.-190C>T (NM_001113492.2, NM_001113494.1); c.282C>T, p.Ala94= (NM_001113493.2); c.246C>T, p.Ala82= (NM_001293695.2); c.249C>T, p.Ala83= (NM_006640.5).
Identifiers: ClinVar variation 1682592 (VCV001682592.32), dbSNP rs764313238, ClinGen allele CA8793167.